The following is an entry in ClinVar:

ClinVar aggregate classification (germline): Uncertain significance. Review status: criteria provided, multiple submitters, no conflicts (2 of 4 stars). 2 submissions from 2 submitters: Uncertain significance (2). Last evaluated 2025-07-30.

Conditions:
Malan overgrowth syndrome (MALNS). Also called: NFIX-Related Malan Syndrome; Sotos syndrome 2; MALAN SYNDROME. Identifiers: Orphanet 420179, MedGen C3553660, MONDO:0013885, OMIM 614753.
Marshall-Smith syndrome (MRSHSS). Identifiers: Orphanet 561, MedGen C0265211, MONDO:0011244, OMIM 602535.
Inborn genetic diseases. Identifiers: MedGen C0950123, MeSH D030342.

Allele frequency attached by ClinVar (database versions not stated): gnomAD exomes below 0.00001; ExAC 0.00001; TOPMed 0.00002; gnomAD 0.00003.
gnomAD v4.1: 7 of 1,613,886 alleles (0.00043%); highest among the groups gnomAD compares: African/African-American, 0.0053%; no homozygotes.

Submissions (2):

Labcorp Genetics (formerly Invitae), Labcorp
Classification: Uncertain significance for Malan overgrowth syndrome; Marshall-Smith syndrome. Last evaluated: 2025-07-30. Review status: criteria provided, single submitter. Criteria: Invitae Variant Classification Sherloc (09022015). Collection method: clinical testing. Allele origin: germline.
Comment: This sequence change replaces alanine, which is neutral and non-polar, with valine, which is neutral and non-polar, at codon 208 of the NFIX protein (p.Ala208Val). This variant is present in population databases (rs762778783, gnomAD 0.008%). This variant has not been reported in the literature in individuals affected with NFIX-related conditions. ClinVar contains an entry for this variant (Variation ID: 2304868). Experimental studies and prediction algorithms are not available or were not evaluated, and the functional significance of this variant is currently unknown. In summary, the available evidence is currently insufficient to determine the role of this variant in disease. Therefore, it has been classified as a Variant of Uncertain Significance.

Ambry Genetics
Classification: Uncertain significance for Inborn genetic diseases. Last evaluated: 2022-08-02. Review status: criteria provided, single submitter. Criteria: Ambry Variant Classification Scheme 2023. Collection method: clinical testing. Allele origin: germline.

NM_001365902.3(NFIX):c.599C>T (p.Ala200Val)

Gene: NFIX (nuclear factor I X; plus strand). Cytogenetic location: 19p13.13.
Variant type: single nucleotide variant.
Coding change: c.599C>T on transcript NM_001365902.3 (MANE Select); coding-DNA position 599, C replaced by T.
Protein change: p.Ala200Val; replaces alanine 200 with valine.
Molecular consequence: missense variant.
Genome position (GRCh38, 1-based): chr19:13,073,086, C>T. VCF-style: chr19-13073086-C-T. GRCh37 (hg19) VCF-style: chr19-13183900-C-T.
Other names: c.623C>T, p.Ala208Val (NM_001271043.2); c.575C>T, p.Ala192Val (NM_001271044.3, NM_001378404.1); c.599C>T, p.Ala200Val (NM_001365982.2, NM_002501.4); c.458C>T, p.Ala153Val (NM_001365983.2); c.596C>T, p.Ala199Val (NM_001365984.2, NM_001365985.2); c.647C>T, p.Ala216Val (NM_001378405.1); short protein forms A153V, A199V, A200V, A216V, A192V, A208V.
Identifiers: ClinVar variation 2304868 (VCV002304868.5), dbSNP rs762778783, ClinGen allele CA9237006.